The following is an entry in ClinVar:

NM_152564.5(VPS13B):c.7145A>T (p.Gln2382Leu)

Gene: VPS13B (vacuolar protein sorting 13 homolog B; plus strand). Cytogenetic location: 8q22.2.
Variant type: single nucleotide variant.
Coding change: c.7145A>T on transcript NM_152564.5 (MANE Select); coding-DNA position 7145, A replaced by T.
Protein change: p.Gln2382Leu; replaces glutamine 2382 with leucine.
Molecular consequence: missense variant.
Genome position (GRCh38, 1-based): chr8:99,766,868, A>T. VCF-style: chr8-99766868-A-T. GRCh37 (hg19) VCF-style: chr8-100779096-A-T.
Other names: c.7220A>T, p.Gln2407Leu (NM_017890.5); short protein forms Q2382L, Q2407L.
Identifiers: ClinVar variation 2543066 (VCV002543066.3), dbSNP rs780959088, ClinGen allele CA4824156.

ClinVar aggregate classification (germline): Uncertain significance. Review status: criteria provided, multiple submitters, no conflicts (2 of 4 stars). 2 submissions from 2 submitters: Uncertain significance (2). Last evaluated 2025-05-02.

Conditions:
Inborn genetic diseases. Identifiers: MedGen C0950123, MeSH D030342.
Cohen syndrome (COH1). Also called: PEPPER SYNDROME; Cutis verticis gyrata, retinitis pigmentosa, and sensorineural deafness. Identifiers: Orphanet 193, MedGen C0265223, MONDO:0008999, OMIM 216550.

Allele frequency attached by ClinVar (database versions not stated): ExAC 0.00002.
gnomAD v4.1: 2 of 1,614,078 alleles (0.00012%); highest among the groups gnomAD compares: East Asian, 0.0045%; no homozygotes.

Submissions (2):

Labcorp Genetics (formerly Invitae), Labcorp
Classification: Uncertain significance for Cohen syndrome. Last evaluated: 2025-05-02. Review status: criteria provided, single submitter. Criteria: Invitae Variant Classification Sherloc (09022015). Collection method: clinical testing. Allele origin: germline.
Comment: This sequence change replaces glutamine, which is neutral and polar, with leucine, which is neutral and non-polar, at codon 2407 of the VPS13B protein (p.Gln2407Leu). This variant is present in population databases (rs780959088, gnomAD 0.01%). This variant has not been reported in the literature in individuals affected with VPS13B-related conditions. ClinVar contains an entry for this variant (Variation ID: 2543066). Invitae Evidence Modeling of protein sequence and biophysical properties (such as structural, functional, and spatial information, amino acid conservation, physicochemical variation, residue mobility, and thermodynamic stability) indicates that this missense variant is expected to disrupt VPS13B protein function with a positive predictive value of 80%. In summary, the available evidence is currently insufficient to determine the role of this variant in disease. Therefore, it has been classified as a Variant of Uncertain Significance.

Ambry Genetics
Classification: Uncertain significance for Inborn genetic diseases. Last evaluated: 2023-05-03. Review status: criteria provided, single submitter. Criteria: Ambry Variant Classification Scheme 2023. Collection method: clinical testing. Allele origin: germline.